The following is an entry in ClinVar:

NM_001298.3(CNGA3):c.1382del (p.Pro461fs)

Gene: CNGA3 (cyclic nucleotide gated channel subunit alpha 3; plus strand). Cytogenetic location: 2q11.2.
Variant type: Deletion.
Coding change: c.1382del on transcript NM_001298.3 (MANE Select); coding-DNA position 1382, one base deleted (C; older notation c.1382delC).
Protein change: p.Pro461fs; shifts the reading frame from proline 461.
Molecular consequence: frameshift variant.
Genome position (GRCh38, 1-based): chr2:98,396,552, C deleted; the last of 3 consecutive C bases (chr2:98,396,550-98,396,552); deleting any one gives the same sequence. VCF-style (leftmost placement, unchanged base first): chr2-98396549-TC-T. GRCh37 (hg19) VCF-style: chr2-99013012-TC-T.
Other names: c.1328del, p.Pro443fs (NM_001079878.2); short protein forms P461fs, P443fs.
Identifiers: ClinVar variation 4992414 (VCV004992414.1).

ClinVar aggregate classification (germline): Likely pathogenic (1 of 4 stars; one submission).

Conditions:
CNGA3-related disorder. Also called: CNGA3-related condition.

Submission:

PreventionGenetics, part of Exact Sciences
Classification: Likely pathogenic for CNGA3-related condition. Last evaluated: 2025-12-08. Review status: criteria provided, single submitter. Criteria: ACMG Guidelines, 2015. Collection method: clinical testing. Allele origin: germline.
Comment: The CNGA3 c.1382delC variant is predicted to result in a frameshift and premature protein termination (p.Pro461Glnfs*4). To our knowledge, this variant has not been reported in the literature or in a large population database (gnomAD), indicating this variant is rare. Frameshift variants in CNGA3 are expected to be pathogenic. This variant is interpreted as likely pathogenic.